The following is an entry in ClinVar:

NM_002691.4(POLD1):c.2717+3C>G

Gene: POLD1 (DNA polymerase delta 1, catalytic subunit; plus strand). Cytogenetic location: 19q13.33.
Variant type: single nucleotide variant.
Coding change: c.2717+3C>G on transcript NM_002691.4 (MANE Select); 3 bases into the intron after coding-DNA position 2717, C replaced by G.
Molecular consequence: intron variant.
Genome position (GRCh38, 1-based): chr19:50,415,593, C>G. VCF-style: chr19-50415593-C-G. GRCh37 (hg19) VCF-style: chr19-50918850-C-G.
Other names: c.2717+3C>G (NM_001256849.1); c.2795+3C>G (NM_001308632.1).
Identifiers: ClinVar variation 1010097 (VCV001010097.6), dbSNP rs2039251787, ClinGen allele CA2340889947.
Genomic context (GRCh38, chr19:50,415,593, plus strand): 5'-TGACCCGCGCGGCCTCCGACTATGCCGGCAAGCAGGCCCACGTGGAGCTGGCCGAGAGGT[C>G]CTGCGCGGGGCGGGTGGCCTGGCCAGAAATAACCCCCTCCTTCCTGCCAGCTGGGCCCAC-3'

ClinVar aggregate classification (germline): Uncertain significance (1 of 4 stars; one submission).

Conditions:
POLD1-related polyposis and colorectal cancer syndrome (CRCS10). Also called: Colorectal cancer 10; COLORECTAL CANCER, SUSCEPTIBILITY TO, ON CHROMOSOME 19q; Colorectal cancer, susceptibility to, 10. Identifiers: Orphanet 220460, MedGen C2675481, MONDO:0012953, OMIM 612591.

Submission:

Labcorp Genetics (formerly Invitae), Labcorp
Classification: Uncertain significance for POLD1-related polyposis and colorectal cancer syndrome. Last evaluated: 2020-09-24. Review status: criteria provided, single submitter. Criteria: Invitae Variant Classification Sherloc (09022015). Collection method: clinical testing. Allele origin: germline.
Comment: This variant has not been reported in the literature in individuals with POLD1-related conditions. In summary, the available evidence is currently insufficient to determine the role of this variant in disease. Therefore, it has been classified as a Variant of Uncertain Significance. Nucleotide substitutions within the consensus splice site are a relatively common cause of aberrant splicing (PMID: 17576681, 9536098). Algorithms developed to predict the effect of sequence changes on RNA splicing suggest that this variant is not likely to affect RNA splicing, but this prediction has not been confirmed by published transcriptional studies. This variant is not present in population databases (ExAC no frequency). This sequence change falls in intron 21 of the POLD1 gene. It does not directly change the encoded amino acid sequence of the POLD1 protein, but it affects a nucleotide within the consensus splice site of the intron.

Literature cited by the submitters: PubMed 17576681; PubMed 9536098.